The following is an entry in ClinVar:

ClinVar aggregate classification (germline): Uncertain significance (1 of 4 stars; one submission).

Submission:

GeneDx
Classification: Uncertain significance. Last evaluated: 2022-02-09. Review status: criteria provided, single submitter. Criteria: GeneDx Variant Classification Process June 2021. Collection method: clinical testing. Allele origin: germline. Affected: yes.
Comment: Not observed at significant frequency in large population cohorts (gnomAD); In silico analysis supports that this missense variant does not alter protein structure/function; Has not been previously published as pathogenic or benign to our knowledge

NM_001375524.1(TRRAP):c.10863G>C (p.Glu3621Asp)

Gene: TRRAP (transformation/transcription domain associated protein; plus strand). Cytogenetic location: 7q22.1.
Variant type: single nucleotide variant.
Coding change: c.10863G>C on transcript NM_001375524.1 (MANE Select); coding-DNA position 10863, G replaced by C.
Protein change: p.Glu3621Asp; replaces glutamic acid 3621 with aspartic acid.
Molecular consequence: missense variant.
Genome position (GRCh38, 1-based): chr7:99,008,486, G>C. VCF-style: chr7-99008486-G-C. GRCh37 (hg19) VCF-style: chr7-98606109-G-C.
Other names: c.10821G>C, p.Glu3607Asp (NM_001244580.2); c.10734G>C, p.Glu3578Asp (NM_003496.4); short protein forms E3578D, E3607D, E3621D.
Identifiers: ClinVar variation 1700752 (VCV001700752.2), dbSNP rs1794292716, ClinGen allele CA368340271.